The following is an entry in ClinVar:

NM_001903.5(CTNNA1):c.2044G>A (p.Ala682Thr)

Gene: CTNNA1 (catenin alpha 1; plus strand). Cytogenetic location: 5q31.2.
Variant type: single nucleotide variant.
Coding change: c.2044G>A on transcript NM_001903.5 (MANE Select); coding-DNA position 2044, G replaced by A.
Protein change: p.Ala682Thr; replaces alanine 682 with threonine.
Molecular consequence: missense variant.
Genome position (GRCh38, 1-based): chr5:138,930,506, G>A. VCF-style: chr5-138930506-G-A. GRCh37 (hg19) VCF-style: chr5-138266195-G-A.
Other names: c.2044G>A, p.Ala682Thr (NM_001290307.3, NM_001323982.2, NM_001323983.1 and 2 more transcripts); c.1735G>A, p.Ala579Thr (NM_001290309.3); c.1675G>A, p.Ala559Thr (NM_001290310.3); c.934G>A, p.Ala312Thr (NM_001290312.1, NM_001323987.1, NM_001323988.1 and 17 more transcripts); c.1951G>A, p.Ala651Thr (NM_001323986.2); c.595G>A, p.Ala199Thr (NM_001324006.1, NM_001324007.1, NM_001324008.1 and 2 more transcripts); c.841G>A, p.Ala281Thr (NM_001324011.1); c.691G>A, p.Ala231Thr (NM_001324012.1, NM_001324013.1); short protein forms A579T, A651T, A199T, A559T, A281T, A312T, A231T, A682T.
Identifiers: ClinVar variation 1784946 (VCV001784946.5), dbSNP rs2533847766, ClinGen allele CA361133368.

ClinVar aggregate classification (germline): Uncertain significance. Review status: criteria provided, multiple submitters, no conflicts (2 of 4 stars). 2 submissions from 2 submitters: Uncertain significance (2). Last evaluated 2023-12-06.

Conditions:
Hereditary cancer-predisposing syndrome. Also called: Neoplastic Syndromes, Hereditary; Tumor predisposition; Hereditary Cancer Syndrome; Hereditary neoplastic syndrome. Identifiers: Orphanet 140162, MedGen C0027672, MeSH D009386, MONDO:0015356.

Submissions (2):

Labcorp Genetics (formerly Invitae), Labcorp
Classification: Uncertain significance. Last evaluated: 2023-12-06. Review status: criteria provided, single submitter. Criteria: Invitae Variant Classification Sherloc (09022015). Collection method: clinical testing. Allele origin: germline.
Comment: This sequence change replaces alanine, which is neutral and non-polar, with threonine, which is neutral and polar, at codon 682 of the CTNNA1 protein (p.Ala682Thr). This variant is not present in population databases (gnomAD no frequency). This variant has not been reported in the literature in individuals affected with CTNNA1-related conditions. ClinVar contains an entry for this variant (Variation ID: 1784946). Advanced modeling of protein sequence and biophysical properties (such as structural, functional, and spatial information, amino acid conservation, physicochemical variation, residue mobility, and thermodynamic stability) performed at Invitae indicates that this missense variant is not expected to disrupt CTNNA1 protein function with a negative predictive value of 80%. In summary, the available evidence is currently insufficient to determine the role of this variant in disease. Therefore, it has been classified as a Variant of Uncertain Significance.

Ambry Genetics
Classification: Uncertain significance for Hereditary cancer-predisposing syndrome. Last evaluated: 2022-10-28. Review status: criteria provided, single submitter. Criteria: Ambry Variant Classification Scheme 2023. Collection method: clinical testing. Allele origin: germline.
Comment: The p.A682T variant (also known as c.2044G>A), located in coding exon 14 of the CTNNA1 gene, results from a G to A substitution at nucleotide position 2044. The alanine at codon 682 is replaced by threonine, an amino acid with similar properties. This amino acid position is conserved. In addition, the in silico prediction for this alteration is inconclusive. Since supporting evidence is limited at this time, the clinical significance of this alteration remains unclear.